The following is an entry in ClinVar:

ClinVar aggregate classification (germline): Likely pathogenic (1 of 4 stars; one submission).

Conditions:
Autosomal recessive nonsyndromic hearing loss 18B. Also called: Deafness, autosomal recessive 18b. Identifiers: Orphanet 90636, MedGen C3554163, MONDO:0013985, OMIM 614945.

Submission:

First Genomix Gene Laboratory, Genetic Diagnostics Department
Classification: Likely pathogenic for Autosomal recessive nonsyndromic hearing loss 18B. Last evaluated: 2025-06-19. Review status: criteria provided, single submitter. Criteria: ACMG Guidelines, 2015. Collection method: clinical testing. Allele origin: germline. Inheritance: Autosomal recessive inheritance. Affected: no. Observed: 1 variant allele.

NM_001292063.2(OTOG):c.5355_5356del (p.Pro1786fs)

Gene: OTOG (otogelin; plus strand). Cytogenetic location: 11p15.1.
Variant type: Microsatellite.
Coding change: c.5355_5356del on transcript NM_001292063.2 (MANE Select); coding-DNA positions 5355 to 5356, 2 bases deleted (AC; older notation c.5355_5356delAC).
Protein change: p.Pro1786fs; shifts the reading frame from proline 1786.
Molecular consequence: frameshift variant.
Genome position (GRCh38, 1-based): chr11:17,610,655-17,610,656, AC deleted; deleting any 2 consecutive bases within chr11:17,610,652-17,610,656 gives the same sequence; the c. name uses the placement nearest the transcript's 3' end. VCF-style (leftmost placement, unchanged base first): chr11-17610651-CCA-C. GRCh37 (hg19) VCF-style: chr11-17632198-CCA-C.
Other names: c.5391_5392del, p.Pro1798fs (NM_001277269.2); c.5391_5392delAC (NM_001277269.2); short protein forms P1786fs, P1798fs.
Identifiers: ClinVar variation 4849388 (VCV004849388.1).